The following is an entry in ClinVar:

ClinVar aggregate classification (germline): Uncertain significance (1 of 4 stars; one submission).

Conditions:
Pitt-Hopkins-like syndrome 2 (PTHSL2). Identifiers: Orphanet 221150, Orphanet 600663, MedGen C3280479, MONDO:0013690, OMIM 614325.

Submission:

Labcorp Genetics (formerly Invitae), Labcorp
Classification: Uncertain significance for Pitt-Hopkins-like syndrome 2. Last evaluated: 2025-02-03. Review status: criteria provided, single submitter. Criteria: Invitae Variant Classification Sherloc (09022015). Collection method: clinical testing. Allele origin: germline.
Comment: This sequence change replaces glycine, which is neutral and non-polar, with valine, which is neutral and non-polar, at codon 656 of the NRXN1 protein (p.Gly656Val). This variant is not present in population databases (gnomAD no frequency). This variant has not been reported in the literature in individuals affected with NRXN1-related conditions. An algorithm developed to predict the effect of missense changes on protein structure and function (PolyPhen-2) suggests that this variant is likely to be disruptive. In summary, the available evidence is currently insufficient to determine the role of this variant in disease. Therefore, it has been classified as a Variant of Uncertain Significance.

NM_001330078.2(NRXN1):c.1847G>T (p.Gly616Val)

Gene: NRXN1 (neurexin 1; minus strand). Cytogenetic location: 2p16.3.
Variant type: single nucleotide variant.
Coding change: c.1847G>T on transcript NM_001330078.2 (MANE Select); coding-DNA position 1847, G replaced by T.
Protein change: p.Gly616Val; replaces glycine 616 with valine.
Molecular consequence: missense variant.
Genome position (GRCh38, 1-based): chr2:50,538,549, C>A on the plus strand (G>T on the coding strand, the complement: NRXN1 is on the minus strand). VCF-style: chr2-50538549-C-A. GRCh37 (hg19) VCF-style: chr2-50765687-C-A.
Other names: c.1847G>T, p.Gly616Val (NM_001330086.2, NM_004801.6, NM_001330085.2); c.1763G>T, p.Gly588Val (NM_001330087.2, NM_001330096.2); c.1793G>T, p.Gly598Val (NM_001330088.2); c.1844G>T, p.Gly615Val (NM_001330093.2); c.1835G>T, p.Gly612Val (NM_001330094.2); c.1823G>T, p.Gly608Val (NM_001330095.2, NM_001330077.2, NM_001330082.2); c.1967G>T, p.Gly656Val (NM_001135659.3); c.1808G>T, p.Gly603Val (NM_001330083.2, NM_001330084.2); short protein forms G588V, G603V, G615V, G608V, G616V, G598V, G612V, G656V.
Identifiers: ClinVar variation 3643028 (VCV003643028.2).